The following is an entry in ClinVar:

NM_000484.4(APP):c.1498G>A (p.Ala500Thr)

Genes: APP (amyloid beta precursor protein; minus strand), LOC126653330 (CDK7 strongly-dependent group 2 enhancer GRCh37_chr21:27326978-27328177; plus strand). Cytogenetic location: 21q21.3.
Variant type: single nucleotide variant.
Coding change: c.1498G>A on transcript NM_000484.4 (MANE Select); coding-DNA position 1498, G replaced by A.
Protein change: p.Ala500Thr; replaces alanine 500 with threonine.
Molecular consequence: missense variant.
Genome position (GRCh38, 1-based): chr21:25,955,716, C>T on the plus strand (G>A on the coding strand, the complement: APP is on the minus strand). VCF-style: chr21-25955716-C-T. GRCh37 (hg19) VCF-style: chr21-27328030-C-T.
Other names: c.1426G>A, p.Ala476Thr (NM_001136016.3); c.1105G>A, p.Ala369Thr (NM_001136129.3); c.1330G>A, p.Ala444Thr (NM_001136130.3, NM_001385253.1); c.1168G>A, p.Ala390Thr (NM_001136131.3); c.1498G>A, p.Ala500Thr (NM_001204301.2); c.1441G>A, p.Ala481Thr (NM_001204302.2, NM_201413.3); c.1273G>A, p.Ala425Thr (NM_001204303.2, NM_201414.3); short protein forms A390T, A444T, A476T, A481T, A369T, A425T, A500T.
Identifiers: ClinVar variation 2153729 (VCV002153729.6), dbSNP rs201547994, ClinGen allele CA319151945.

ClinVar aggregate classification (germline): Uncertain significance. Review status: criteria provided, multiple submitters, no conflicts (2 of 4 stars). 2 submissions from 2 submitters: Uncertain significance (2). Last evaluated 2025-11-24.

Conditions:
Alzheimer disease. Also called: Alzheimer's disease; Presenile and senile dementia. Identifiers: Orphanet 1020, MedGen C0002395, MeSH D000544, MONDO:0004975, HP:0002511.

Allele frequency attached by ClinVar (database versions not stated): gnomAD 0.00001; gnomAD exomes 0.00001; TOPMed 0.00004.
gnomAD v4.1: 19 of 1,614,024 alleles (0.0012%); highest among the groups gnomAD compares: Admixed American, 0.005%; no homozygotes.

Submissions (2):

Women's Health and Genetics/Laboratory Corporation of America, LabCorp
Classification: Uncertain significance. Last evaluated: 2025-11-24. Review status: criteria provided, single submitter. Criteria: LabCorp Variant Classification Summary - May 2015. Collection method: clinical testing. Allele origin: germline.
Comment: Variant summary: APP c.1498G>A (p.Ala500Thr) results in a non-conservative amino acid change located in the Amyloidogenic glycoprotein, E2 domain (IPR024329) of the encoded protein sequence. Algorithms developed to predict the effect of missense changes on protein structure and function are either unavailable or do not agree on the potential impact of this missense change. The variant allele was found at a frequency of 8e-06 in 251476 control chromosomes. The available data on variant occurrences in the general population are insufficient to allow any conclusion about variant significance. c.1498G>A has been observed in an individual affected with Frontotemporal dementia (Tabuas_2022). These data do not allow any conclusion about variant significance. At least one publication reports experimental evidence evaluating an impact on protein function (Hsu_2020) and these results showed no damaging effect of this variant on APP42 and APP40 in mouse neuroblastoma cells. The following publications have been ascertained in the context of this evaluation (PMID: 32087291, 35873773). ClinVar contains an entry for this variant (Variation ID: 2153729). Based on the evidence outlined above, the variant was classified as uncertain significance.

Labcorp Genetics (formerly Invitae), Labcorp
Classification: Uncertain significance for Alzheimer disease. Last evaluated: 2025-11-18. Review status: criteria provided, single submitter. Criteria: Invitae Variant Classification Sherloc (09022015). Collection method: clinical testing. Allele origin: germline.
Comment: This sequence change replaces alanine, which is neutral and non-polar, with threonine, which is neutral and polar, at codon 500 of the APP protein (p.Ala500Thr). This variant is present in population databases (rs201547994, gnomAD 0.003%). This missense change has been observed in individual(s) with APP-related conditions (PMID: 35873773). ClinVar contains an entry for this variant (Variation ID: 2153729). Invitae Evidence Modeling of protein sequence and biophysical properties (such as structural, functional, and spatial information, amino acid conservation, physicochemical variation, residue mobility, and thermodynamic stability) indicates that this missense variant is not expected to disrupt APP protein function with a negative predictive value of 95%. Experimental studies have shown that this missense change does not substantially affect APP function (PMID: 32087291). In summary, the available evidence is currently insufficient to determine the role of this variant in disease. Therefore, it has been classified as a Variant of Uncertain Significance.

Literature cited by the submitters: PubMed 35873773 (cited by Women's Health and Genetics/Laboratory Corporation of America, LabCorp and Labcorp Genetics (formerly Invitae), Labcorp); PubMed 32087291 (cited by Women's Health and Genetics/Laboratory Corporation of America, LabCorp and Labcorp Genetics (formerly Invitae), Labcorp).